The following is an entry in ClinVar:

ClinVar aggregate classification (germline): Likely benign. Review status: criteria provided, multiple submitters, no conflicts (2 of 4 stars). 4 submissions from 4 submitters: Likely benign (4). Last evaluated 2026-01-26.

Conditions:
RYR1-related disorder. Also called: RYR1-related condition; RYR1-related disorders. Identifiers: MedGen CN239331.
Malignant hyperthermia, susceptibility to, 1 (MHS1). Also called: Malignant hyperthermia suceptibility 1; RYR1-Related Malignant Hyperthermia Susceptibility; Anesthesia related hyperthermia; Malignant hyperpyrexia; Fulminating hyperpyrexia; Pharmacogenic myopathy. Identifiers: Orphanet 423, MedGen C2930980, MONDO:0007783, OMIM 145600.

Allele frequency attached by ClinVar (database versions not stated): 1000 Genomes Project 30x 0.00016; ESP Exome Variant Server 0.00016; 1000 Genomes Project 0.00020; gnomAD 0.00022; TOPMed 0.00030.
gnomAD v4.1: 82 of 1,568,394 alleles (0.0052%); highest among the groups gnomAD compares: African/African-American, 0.094%; no homozygotes.

Submissions (4):

Labcorp Genetics (formerly Invitae), Labcorp
Classification: Likely benign for RYR1-related disorder. Last evaluated: 2026-01-26. Review status: criteria provided, single submitter. Criteria: Invitae Variant Classification Sherloc (09022015). Collection method: clinical testing. Allele origin: germline.

PreventionGenetics, part of Exact Sciences
Classification: Likely benign for RYR1-related condition. Last evaluated: 2024-10-22. Review status: criteria provided, single submitter. Criteria: ACMG Guidelines, 2015. Collection method: clinical testing. Allele origin: germline.
Comment: This variant is classified as likely benign based on ACMG/AMP sequence variant interpretation guidelines (Richards et al. 2015 PMID: 25741868, with internal and published modifications).

Color Diagnostics, LLC DBA Color Health
Classification: Likely benign for Malignant hyperthermia, susceptibility to, 1. Last evaluated: 2022-11-06. Review status: criteria provided, single submitter. Criteria: ACMG Guidelines, 2015. Collection method: clinical testing. Allele origin: germline.

CeGaT Center for Human Genetics Tuebingen
Classification: Likely benign. Last evaluated: 2019-01-01. Review status: criteria provided, single submitter. Criteria: CeGaT Center For Human Genetics Tuebingen Variant Classification Criteria Version 2. Collection method: clinical testing. Allele origin: germline. Affected: yes. Observed: 1 variant allele.

NM_000540.3(RYR1):c.4878C>G (p.Ala1626=)

Gene: RYR1 (ryanodine receptor 1; plus strand). Cytogenetic location: 19q13.2.
Variant type: single nucleotide variant.
Coding change: c.4878C>G on transcript NM_000540.3 (MANE Select); coding-DNA position 4878, C replaced by G.
Protein change: p.Ala1626=; no amino-acid change (alanine 1626 retained).
Molecular consequence: synonymous variant.
Genome position (GRCh38, 1-based): chr19:38,483,460, C>G. VCF-style: chr19-38483460-C-G. GRCh37 (hg19) VCF-style: chr19-38974100-C-G.
Other names: c.4878C>G, p.Ala1626= (NM_001042723.2); c.4878C>G (NM_000540.2).
Identifiers: ClinVar variation 808544 (VCV000808544.50), dbSNP rs369466056, ClinGen allele CA066487.